The following is an entry in ClinVar:

ClinVar aggregate classification (germline): Likely benign. Review status: criteria provided, single submitter (1 of 4 stars). 2 submissions from 2 submitters: Likely benign (1). 1 of the submissions does not count toward it. Last evaluated 2026-01-31.

Conditions:
XPC-related disorder. Also called: XPC-related condition.

Allele frequency attached by ClinVar (database versions not stated): gnomAD exomes 0.00002 and 0.00004; ExAC 0.00005; gnomAD 0.00005; TOPMed 0.00005; 1000 Genomes Project 0.00020; 1000 Genomes Project 30x 0.00047.
gnomAD v4.1: 73 of 1,613,494 alleles (0.0045%); highest among the groups gnomAD compares: South Asian, 0.013%; no homozygotes.

Submissions (2):

Labcorp Genetics (formerly Invitae), Labcorp
Classification: Likely benign. Last evaluated: 2026-01-31. Review status: criteria provided, single submitter. Criteria: Invitae Variant Classification Sherloc (09022015). Collection method: clinical testing. Allele origin: germline.

PreventionGenetics, part of Exact Sciences
Classification: Likely benign for XPC-related condition. Last evaluated: 2019-04-04. Review status: no assertion criteria provided. Collection method: clinical testing. Allele origin: germline. Not counted in ClinVar's aggregate classification.
Comment: This variant is classified as likely benign based on ACMG/AMP sequence variant interpretation guidelines (Richards et al. 2015 PMID: 25741868, with internal and published modifications).

NM_004628.5(XPC):c.2022G>A (p.Ala674=)

Gene: XPC (XPC complex subunit, DNA damage recognition and repair factor; minus strand). Cytogenetic location: 3p25.1.
Variant type: single nucleotide variant.
Coding change: c.2022G>A on transcript NM_004628.5 (MANE Select); coding-DNA position 2022, G replaced by A.
Protein change: p.Ala674=; no amino-acid change (alanine 674 retained).
Molecular consequence: synonymous variant. On other transcripts: intron variant (1).
Genome position (GRCh38, 1-based): chr3:14,156,346, C>T on the plus strand (G>A on the coding strand, the complement: XPC is on the minus strand). VCF-style: chr3-14156346-C-T. GRCh37 (hg19) VCF-style: chr3-14197846-C-T.
Other names: c.1443G>A, p.Ala481= (NM_001354726.2); c.2004G>A, p.Ala668= (NM_001354729.2); c.1776G>A, p.Ala592= (NM_001354730.2); c.1872+1665G>A (NM_001354727.2).
Identifiers: ClinVar variation 732520 (VCV000732520.12), dbSNP rs200278513, ClinGen allele CA2267305.
Genomic context (GRCh38, chr3:14,156,346, plus strand): 5'-TCCCATGCCATCAGGAAGCCCCTGAGGCCAACCAGGCTGCCTCACGCACCTGGAGTAGAC[C>T]GCTTCTCCACGACAATACCCAAGGATGGCAGCTGTCTCGGGATAGATGGCCTCATATTTC-3'
Protein context (NP_004619.3, residues 664-684): AAILGYCRGE[Ala674=]VYSRDCVHTL